The following is an entry in ClinVar:

ClinVar aggregate classification (germline): Uncertain significance (1 of 4 stars; one submission).

Conditions:
Sulfite oxidase deficiency due to molybdenum cofactor deficiency type C. Also called: Molybdenum cofactor deficiency, complementation group C; Molybdenum cofactor deficiency C. Identifiers: Orphanet 308400, Orphanet 833, MedGen C1854990, MONDO:0014212, OMIM 615501.

Allele frequency attached by ClinVar (database versions not stated): gnomAD exomes below 0.00001.
gnomAD v4.1: 7 of 1,577,634 alleles (0.00044%); highest among the groups gnomAD compares: South Asian, 0.0011%; no homozygotes.

Submission:

Labcorp Genetics (formerly Invitae), Labcorp
Classification: Uncertain significance for Sulfite oxidase deficiency due to molybdenum cofactor deficiency type C. Last evaluated: 2026-02-01. Review status: criteria provided, single submitter. Criteria: Invitae Variant Classification Sherloc (09022015). Collection method: clinical testing. Allele origin: germline.
Comment: This sequence change replaces lysine, which is basic and polar, with arginine, which is basic and polar, at codon 57 of the GPHN protein (p.Lys57Arg). This variant is not present in population databases (gnomAD no frequency). This variant has not been reported in the literature in individuals affected with GPHN-related conditions. ClinVar contains an entry for this variant (Variation ID: 2144614). Invitae Evidence Modeling of protein sequence and biophysical properties (such as structural, functional, and spatial information, amino acid conservation, physicochemical variation, residue mobility, and thermodynamic stability) indicates that this missense variant is not expected to disrupt GPHN protein function with a negative predictive value of 80%. In summary, the available evidence is currently insufficient to determine the role of this variant in disease. Therefore, it has been classified as a Variant of Uncertain Significance.

NM_020806.5(GPHN):c.170A>G (p.Lys57Arg)

Gene: GPHN (gephyrin; plus strand). Cytogenetic location: 14q23.3.
Variant type: single nucleotide variant.
Coding change: c.170A>G on transcript NM_020806.5 (MANE Select); coding-DNA position 170, A replaced by G.
Protein change: p.Lys57Arg; replaces lysine 57 with arginine.
Molecular consequence: missense variant.
Genome position (GRCh38, 1-based): chr14:66,776,490, A>G. VCF-style: chr14-66776490-A-G. GRCh37 (hg19) VCF-style: chr14-67243208-A-G.
Other names: c.170A>G, p.Lys57Arg (NM_001024218.2, NM_001377514.1, NM_001377515.1 and 4 more transcripts); short protein forms K57R.
Identifiers: ClinVar variation 2144614 (VCV002144614.4), dbSNP rs2549068259, ClinGen allele CA390255226.